The following is an entry in ClinVar:

ClinVar aggregate classification (germline): Likely benign (1 of 4 stars; one submission).

Conditions:
PCNT-related disorder. Also called: PCNT-related condition.

Submission:

PreventionGenetics, part of Exact Sciences
Classification: Likely benign for PCNT-related condition. Last evaluated: 2025-10-30. Review status: criteria provided, single submitter. Criteria: ACMG Guidelines, 2015. Collection method: clinical testing. Allele origin: germline.
Comment: This variant is classified as likely benign based on ACMG/AMP sequence variant interpretation guidelines (Richards et al. 2015 PMID: 25741868, with internal and published modifications).

NM_006031.6(PCNT):c.7419G>A (p.Gln2473=)

Gene: PCNT (pericentrin; plus strand). Cytogenetic location: 21q22.3.
Variant type: single nucleotide variant.
Coding change: c.7419G>A on transcript NM_006031.6 (MANE Select); coding-DNA position 7419, G replaced by A.
Protein change: p.Gln2473=; no amino-acid change (glutamine 2473 retained).
Molecular consequence: synonymous variant.
Genome position (GRCh38, 1-based): chr21:46,427,720, G>A. VCF-style: chr21-46427720-G-A. GRCh37 (hg19) VCF-style: chr21-47847634-G-A.
Other names: c.7065G>A, p.Gln2355= (NM_001315529.2).
Identifiers: ClinVar variation 4985835 (VCV004985835.1).